The following is an entry in ClinVar:

NM_133497.4(KCNV2):c.1583T>C (p.Ile528Thr)

Gene: KCNV2 (potassium voltage-gated channel modifier subfamily V member 2; plus strand). Cytogenetic location: 9p24.2.
Variant type: single nucleotide variant.
Coding change: c.1583T>C on transcript NM_133497.4 (MANE Select); coding-DNA position 1583, T replaced by C.
Protein change: p.Ile528Thr; replaces isoleucine 528 with threonine.
Molecular consequence: missense variant.
Genome position (GRCh38, 1-based): chr9:2,729,672, T>C. VCF-style: chr9-2729672-T-C. GRCh37 (hg19) VCF-style: chr9-2729672-T-C.
Other names: c.1583T>C (NM_133497.3); short protein forms I528T.
Identifiers: ClinVar variation 2176932 (VCV002176932.6), dbSNP rs755927542, ClinGen allele CA4965945.

ClinVar aggregate classification (germline): Uncertain significance. Review status: criteria provided, multiple submitters, no conflicts (2 of 4 stars). 3 submissions from 3 submitters: Uncertain significance (3). Last evaluated 2025-03-27.

Conditions:
Inborn genetic diseases. Identifiers: MedGen C0950123, MeSH D030342.

Allele frequency attached by ClinVar (database versions not stated): gnomAD exomes below 0.00001; ExAC 0.00001; gnomAD 0.00001; TOPMed 0.00001.
gnomAD v4.1: 4 of 1,614,014 alleles (0.00025%); highest among the groups gnomAD compares: Admixed American, 0.0017%; no homozygotes.

Submissions (3):

Ambry Genetics
Classification: Uncertain significance for Inborn genetic diseases. Last evaluated: 2025-03-27. Review status: criteria provided, single submitter. Criteria: Ambry Variant Classification Scheme 2023. Collection method: clinical testing. Allele origin: germline.

Labcorp Genetics (formerly Invitae), Labcorp
Classification: Uncertain significance. Last evaluated: 2022-09-07. Review status: criteria provided, single submitter. Criteria: Invitae Variant Classification Sherloc (09022015). Collection method: clinical testing. Allele origin: germline.
Comment: In summary, the available evidence is currently insufficient to determine the role of this variant in disease. Therefore, it has been classified as a Variant of Uncertain Significance. This sequence change replaces isoleucine, which is neutral and non-polar, with threonine, which is neutral and polar, at codon 528 of the KCNV2 protein (p.Ile528Thr). This variant is present in population databases (rs755927542, gnomAD 0.003%). This variant has not been reported in the literature in individuals affected with KCNV2-related conditions. Advanced modeling of protein sequence and biophysical properties (such as structural, functional, and spatial information, amino acid conservation, physicochemical variation, residue mobility, and thermodynamic stability) performed at Invitae indicates that this missense variant is not expected to disrupt KCNV2 protein function.

Blueprint Genetics
Classification: Uncertain significance. Last evaluated: 2018-10-29. Review status: criteria provided, single submitter. Criteria: ACMG Guidelines, 2015. Collection method: clinical testing. Allele origin: germline.